The following is an entry in ClinVar:

ClinVar aggregate classification (germline): Uncertain significance. Review status: criteria provided, multiple submitters, no conflicts (2 of 4 stars). 2 submissions from 2 submitters: Uncertain significance (2). Last evaluated 2023-07-25.

Submissions (2):

Labcorp Genetics (formerly Invitae), Labcorp
Classification: Uncertain significance. Last evaluated: 2023-07-25. Review status: criteria provided, single submitter. Criteria: Invitae Variant Classification Sherloc (09022015). Collection method: clinical testing. Allele origin: germline.
Comment: In summary, the available evidence is currently insufficient to determine the role of this variant in disease. Therefore, it has been classified as a Variant of Uncertain Significance. Advanced modeling of protein sequence and biophysical properties (such as structural, functional, and spatial information, amino acid conservation, physicochemical variation, residue mobility, and thermodynamic stability) performed at Invitae indicates that this missense variant is not expected to disrupt POLE protein function. ClinVar contains an entry for this variant (Variation ID: 582932). This variant has not been reported in the literature in individuals affected with POLE-related conditions. This variant is not present in population databases (gnomAD no frequency). This sequence change replaces serine, which is neutral and polar, with cysteine, which is neutral and slightly polar, at codon 156 of the POLE protein (p.Ser156Cys).

ARUP Laboratories, Molecular Genetics and Genomics, ARUP Laboratories
Classification: Uncertain significance. Last evaluated: 2020-12-13. Review status: criteria provided, single submitter. Criteria: ARUP Molecular Germline Variant Investigation Process 2021. Collection method: clinical testing. Allele origin: germline.
Comment: The POLE c.467C>G; The variant is reported in the ClinVar database (Variation ID: 582932) and is absent from general population databases (Exome Variant Server, Genome Aggregation Database), indicating it is not a common polymorphism. The serine at codon 156 is highly conserved, computational analyses are uncertain whether this variant is neutral or deleterious (REVEL: 0.394). This variant is not located in the exonuclease domain (Palles 2013), and gene-disease association has not been established for variants outside of the exonuclease domain (Seifert 2019). However, given the lack of clinical and functional data, the significance of the p.Ser156Cys variant is uncertain at this time. References: Palles C et al. Germline mutations affecting the proofreading domains of POLE and POLD1 predispose to colorectal adenomas and carcinomas. Nat Genet. 2013 Feb;45(2):136-44. Seifert BA et al. Determining the clinical validity of hereditary colorectal cancer and polyposis susceptibility genes using the Clinical Genome Resource Clinical Validity Framework. Genet Med. 2019 Jul;21(7):1507-1516.

NM_006231.4(POLE):c.467C>G (p.Ser156Cys)

Gene: POLE (DNA polymerase epsilon, catalytic subunit; minus strand). Cytogenetic location: 12q24.33.
Variant type: single nucleotide variant.
Coding change: c.467C>G on transcript NM_006231.4 (MANE Select); coding-DNA position 467, C replaced by G.
Protein change: p.Ser156Cys; replaces serine 156 with cysteine.
Molecular consequence: missense variant.
Genome position (GRCh38, 1-based): chr12:132,679,608, G>C on the plus strand (C>G on the coding strand, the complement: POLE is on the minus strand). VCF-style: chr12-132679608-G-C. GRCh37 (hg19) VCF-style: chr12-133256194-G-C.
Other names: short protein forms S156C.
Identifiers: ClinVar variation 582932 (VCV000582932.18), dbSNP rs1565979877, ClinGen allele CA387367386.